The following is an entry in ClinVar:

NM_000093.5(COL5A1):c.4447-19T>C

Genes: COL5A1 (collagen type V alpha 1 chain; plus strand), LOC101448202 (uncharacterized LOC101448202; minus strand). Cytogenetic location: 9q34.3.
Variant type: single nucleotide variant.
Coding change: c.4447-19T>C on transcript NM_000093.5 (MANE Select); 19 bases into the intron before coding-DNA position 4447, T replaced by C.
Molecular consequence: intron variant. On other transcripts: non-coding transcript variant (1).
Genome position (GRCh38, 1-based): chr9:134,820,097, T>C. VCF-style: chr9-134820097-T-C. GRCh37 (hg19) VCF-style: chr9-137711943-T-C.
Other names: c.4447-19T>C (NM_001278074.1).
Identifiers: ClinVar variation 511173 (VCV000511173.11), dbSNP rs1554806958, ClinGen allele CA658797351.

ClinVar aggregate classification (germline): Likely benign. Review status: criteria provided, multiple submitters, no conflicts (2 of 4 stars). 4 submissions from 4 submitters: Likely benign (4). Last evaluated 2025-04-02.

Conditions:
Ehlers-Danlos syndrome, classic type, 1 (EDSCL1). Also called: Ehlers-Danlos syndrome, type 1; EHLERS-DANLOS SYNDROME, GRAVIS TYPE; EHLERS-DANLOS SYNDROME, SEVERE CLASSIC TYPE; Ehlers-Danlos Syndrome, Classic Type, COL5A1-Related; EDS I. Identifiers: MedGen C0268335, MONDO:0019567, OMIM 130000.

Allele frequency attached by ClinVar (database versions not stated): gnomAD exomes below 0.00001; TOPMed 0.00002.
gnomAD v4.1: 2 of 1,602,752 alleles (0.00012%); highest among the groups gnomAD compares: Admixed American, 0.0033%; no homozygotes.

Submissions (4):

Labcorp Genetics (formerly Invitae), Labcorp
Classification: Likely benign for Ehlers-Danlos syndrome, classic type, 1. Last evaluated: 2025-04-02. Review status: criteria provided, single submitter. Criteria: Invitae Variant Classification Sherloc (09022015). Collection method: clinical testing. Allele origin: germline.

Blueprint Genetics
Classification: Likely benign. Last evaluated: 2022-09-26. Review status: criteria provided, single submitter. Criteria: ACMG Guidelines, 2015. Collection method: clinical testing. Allele origin: germline.

GeneDx
Classification: Likely benign. Last evaluated: 2017-08-01. Review status: criteria provided, single submitter. Criteria: GeneDx Variant Classification (06012015). Collection method: clinical testing. Allele origin: germline. Affected: yes.
Comment: This variant is considered likely benign or benign based on one or more of the following criteria: it is a conservative change, it occurs at a poorly conserved position in the protein, it is predicted to be benign by multiple in silico algorithms, and/or has population frequency not consistent with disease.

Breakthrough Genomics
Classification: Likely benign. Review status: criteria provided, single submitter. Criteria: ACMG Guidelines, 2015. Collection method: not provided. Allele origin: germline. Inheritance: Autosomal dominant inheritance. Affected: yes.